The following is an entry in ClinVar:

NM_016507.4(CDK12):c.2167T>C (p.Cys723Arg)

Gene: CDK12 (cyclin dependent kinase 12; plus strand). Cytogenetic location: 17q12.
Variant type: single nucleotide variant.
Coding change: c.2167T>C on transcript NM_016507.4 (MANE Select); coding-DNA position 2167, T replaced by C.
Protein change: p.Cys723Arg; replaces cysteine 723 with arginine.
Molecular consequence: missense variant.
Genome position (GRCh38, 1-based): chr17:39,492,809, T>C. VCF-style: chr17-39492809-T-C. GRCh37 (hg19) VCF-style: chr17-37649062-T-C.
Other names: c.2167T>C, p.Cys723Arg (NM_015083.4); short protein forms C723R.
Identifiers: ClinVar variation 3830688 (VCV003830688.1).

ClinVar aggregate classification (germline): Uncertain significance (1 of 4 stars; one submission).

gnomAD v4.1: 2 of 1,613,456 alleles (0.00012%); highest among the groups gnomAD compares: African/African-American, 0.0013%; no homozygotes.

Submission:

Ambry Genetics
Classification: Uncertain significance. Last evaluated: 2025-02-20. Review status: criteria provided, single submitter. Criteria: Ambry Variant Classification Scheme 2023. Collection method: clinical testing. Allele origin: germline.
Comment: The p.C723R variant (also known as c.2167T>C), located in coding exon 4 of the CDK12 gene, results from a T to C substitution at nucleotide position 2167. The cysteine at codon 723 is replaced by arginine, an amino acid with highly dissimilar properties. This amino acid position is conserved. In addition, this alteration is predicted to be deleterious by in silico analysis. Based on the available evidence, the clinical significance of this variant remains unclear.